The following is an entry in ClinVar:

ClinVar aggregate classification (germline): Benign/Likely benign. Review status: criteria provided, multiple submitters, no conflicts (2 of 4 stars). 7 submissions from 7 submitters: Benign (2); Likely benign (2). 3 of the submissions do not count toward it. Last evaluated 2026-02-01.

Conditions:
ZBTB24-related disorder. Also called: ZBTB24-related condition.
Immunodeficiency-centromeric instability-facial anomalies syndrome 2 (ICF2). Identifiers: Orphanet 2268, MedGen C3279748, MONDO:0013553, OMIM 614069.

Allele frequency attached by ClinVar (database versions not stated): 1000 Genomes Project 0.00140; 1000 Genomes Project 30x 0.00156; ESP Exome Variant Server 0.00231; gnomAD 0.00233 and 0.00234; ExAC 0.00252; TOPMed 0.00260; gnomAD exomes 0.00261 and 0.00270.
gnomAD v4.1: 4,345 of 1,614,196 alleles (0.27%); highest among the groups gnomAD compares: Middle Eastern, 0.66%; 12 homozygotes.

Submissions (7):

Labcorp Genetics (formerly Invitae), Labcorp
Classification: Benign for Immunodeficiency-centromeric instability-facial anomalies syndrome 2. Last evaluated: 2026-02-01. Review status: criteria provided, single submitter. Criteria: Invitae Variant Classification Sherloc (09022015). Collection method: clinical testing. Allele origin: germline.

CeGaT Center for Human Genetics Tuebingen
Classification: Likely benign. Last evaluated: 2025-12-01. Review status: criteria provided, single submitter. Criteria: CeGaT Center For Human Genetics Tuebingen Variant Classification Criteria Version 2. Collection method: clinical testing. Allele origin: germline. Affected: yes. Observed: 4 variant alleles.
Comment: ZBTB24: BP4, BS2

Mayo Clinic Laboratories, Mayo Clinic
Classification: Benign. Last evaluated: 2025-01-29. Review status: criteria provided, single submitter. Criteria: ACMG Guidelines, 2015. Collection method: clinical testing. Allele origin: germline. Observed: 1 variant allele.
Comment: BS1, BS2, BP4_moderate

Blueprint Genetics
Classification: Likely benign. Last evaluated: 2024-11-13. Review status: criteria provided, single submitter. Criteria: ACMG Guidelines, 2015. Collection method: clinical testing. Allele origin: germline.

PreventionGenetics, part of Exact Sciences
Classification: Likely benign for ZBTB24-related condition. Last evaluated: 2021-04-12. Review status: no assertion criteria provided. Collection method: clinical testing. Allele origin: germline. Not counted in ClinVar's aggregate classification.
Comment: This variant is classified as likely benign based on ACMG/AMP sequence variant interpretation guidelines (Richards et al. 2015 PMID: 25741868, with internal and published modifications).

Clinical Genetics DNA and cytogenetics Diagnostics Lab, Erasmus MC, Erasmus Medical Center
Classification: Likely benign. Review status: no assertion criteria provided. Collection method: clinical testing. Allele origin: germline. Affected: yes. Study: VKGL Data-share Consensus. Not counted in ClinVar's aggregate classification.

Laboratory of Diagnostic Genome Analysis, Leiden University Medical Center (LUMC)
Classification: Likely benign. Review status: no assertion criteria provided. Collection method: clinical testing. Allele origin: germline. Affected: yes. Study: VKGL Data-share Consensus. Not counted in ClinVar's aggregate classification.

NM_014797.3(ZBTB24):c.1672G>A (p.Asp558Asn)

Gene: ZBTB24 (zinc finger and BTB domain containing 24; minus strand). Cytogenetic location: 6q21.
Variant type: single nucleotide variant.
Coding change: c.1672G>A on transcript NM_014797.3 (MANE Select); coding-DNA position 1672, G replaced by A.
Protein change: p.Asp558Asn; replaces aspartic acid 558 with asparagine.
Molecular consequence: missense variant.
Genome position (GRCh38, 1-based): chr6:109,466,273, C>T on the plus strand (G>A on the coding strand, the complement: ZBTB24 is on the minus strand). VCF-style: chr6-109466273-C-T. GRCh37 (hg19) VCF-style: chr6-109787476-C-T.
Other names: p.Asp558Asn; short protein forms D558N.
Identifiers: ClinVar variation 539542 (VCV000539542.40), dbSNP rs61731736, ClinGen allele CA3954037.